The following is an entry in ClinVar:

ClinVar aggregate classification (germline): Uncertain significance (1 of 4 stars; one submission).

Conditions:
NRP2-related disorder. Also called: NRP2-related condition.

gnomAD v4.1: 3 of 1,614,250 alleles (0.00019%); highest among the groups gnomAD compares: Non-Finnish European, 0.00025%; no homozygotes.

Submission:

PreventionGenetics, part of Exact Sciences
Classification: Uncertain significance for NRP2-related condition. Last evaluated: 2026-07-20. Review status: criteria provided, single submitter. Criteria: ACMG Guidelines, 2015. Collection method: clinical testing. Allele origin: germline.
Comment: The NRP2 c.1498G>T variant is predicted to result in the amino acid substitution p.Gly500Cys. To our knowledge, this variant has not been reported in the literature. This variant is reported in 0.00088% of alleles in individuals of European (Non-Finnish) descent in gnomAD. At this time, the clinical significance of this variant is uncertain due to the absence of conclusive functional and genetic evidence.

NM_003872.3(NRP2):c.1498G>T (p.Gly500Cys)

Gene: NRP2 (neuropilin 2; plus strand). Cytogenetic location: 2q33.3.
Variant type: single nucleotide variant.
Coding change: c.1498G>T on transcript NM_003872.3 (MANE Select); coding-DNA position 1498, G replaced by T.
Protein change: p.Gly500Cys; replaces glycine 500 with cysteine.
Molecular consequence: missense variant.
Genome position (GRCh38, 1-based): chr2:205,743,409, G>T. VCF-style: chr2-205743409-G-T. GRCh37 (hg19) VCF-style: chr2-206608133-G-T.
Other names: c.1498G>T, p.Gly500Cys (NM_018534.4, NM_201264.2, NM_201266.2 and 2 more transcripts); short protein forms G500C.
Identifiers: ClinVar variation 4994008 (VCV004994008.1).